The following is an entry in ClinVar:

ClinVar aggregate classification (germline): Uncertain significance. Review status: criteria provided, multiple submitters, no conflicts (2 of 4 stars). 2 submissions from 2 submitters: Uncertain significance (2). Last evaluated 2024-07-31.

Conditions:
Inborn genetic diseases. Identifiers: MedGen C0950123, MeSH D030342.

Allele frequency attached by ClinVar (database versions not stated): gnomAD exomes 0.00001; ExAC 0.00003; gnomAD 0.00005; TOPMed 0.00006; 1000 Genomes Project 0.00040; 1000 Genomes Project 30x 0.00062.
gnomAD v4.1: 26 of 1,614,094 alleles (0.0016%); highest among the groups gnomAD compares: African/African-American, 0.015%; no homozygotes.

Submissions (2):

Ambry Genetics
Classification: Uncertain significance for Inborn genetic diseases. Last evaluated: 2024-07-31. Review status: criteria provided, single submitter. Criteria: Ambry Variant Classification Scheme 2023. Collection method: clinical testing. Allele origin: germline.

Labcorp Genetics (formerly Invitae), Labcorp
Classification: Uncertain significance. Last evaluated: 2023-08-27. Review status: criteria provided, single submitter. Criteria: Invitae Variant Classification Sherloc (09022015). Collection method: clinical testing. Allele origin: germline.
Comment: Advanced modeling of protein sequence and biophysical properties (such as structural, functional, and spatial information, amino acid conservation, physicochemical variation, residue mobility, and thermodynamic stability) performed at Invitae indicates that this missense variant is not expected to disrupt ANO6 protein function. This sequence change replaces isoleucine, which is neutral and non-polar, with valine, which is neutral and non-polar, at codon 174 of the ANO6 protein (p.Ile174Val). This variant is present in population databases (rs545233834, gnomAD 0.02%). This variant has not been reported in the literature in individuals affected with ANO6-related conditions. In summary, the available evidence is currently insufficient to determine the role of this variant in disease. Therefore, it has been classified as a Variant of Uncertain Significance.

NM_001025356.3(ANO6):c.520A>G (p.Ile174Val)

Gene: ANO6 (anoctamin 6; plus strand). Cytogenetic location: 12q12.
Variant type: single nucleotide variant.
Coding change: c.520A>G on transcript NM_001025356.3 (MANE Select); coding-DNA position 520, A replaced by G.
Protein change: p.Ile174Val; replaces isoleucine 174 with valine.
Molecular consequence: missense variant.
Genome position (GRCh38, 1-based): chr12:45,348,202, A>G. VCF-style: chr12-45348202-A-G. GRCh37 (hg19) VCF-style: chr12-45741985-A-G.
Other names: c.466A>G, p.Ile156Val (NM_001142678.2); c.520A>G, p.Ile174Val (NM_001142679.2); c.583A>G, p.Ile195Val (NM_001204803.2); c.487A>G, p.Ile163Val (NM_001410973.1); c.520A>G (NM_001025356.2); short protein forms I156V, I174V, I163V, I195V.
Identifiers: ClinVar variation 2906852 (VCV002906852.3), dbSNP rs545233834, ClinGen allele CA6525014.